The following is an entry in ClinVar:

NM_004863.4(SPTLC2):c.300C>T (p.His100=)

Gene: SPTLC2 (serine palmitoyltransferase long chain base subunit 2; minus strand). Cytogenetic location: 14q24.3.
Variant type: single nucleotide variant.
Coding change: c.300C>T on transcript NM_004863.4 (MANE Select); coding-DNA position 300, C replaced by T.
Protein change: p.His100=; no amino-acid change (histidine 100 retained).
Molecular consequence: synonymous variant.
Genome position (GRCh38, 1-based): chr14:77,597,213, G>A on the plus strand (C>T on the coding strand, the complement: SPTLC2 is on the minus strand). VCF-style: chr14-77597213-G-A. GRCh37 (hg19) VCF-style: chr14-78063556-G-A.
Identifiers: ClinVar variation 392229 (VCV000392229.12), dbSNP rs751864113, ClinGen allele CA7289476.

ClinVar aggregate classification (germline): Likely benign. Review status: criteria provided, multiple submitters, no conflicts (2 of 4 stars). 3 submissions from 3 submitters: Likely benign (3). Last evaluated 2024-02-06.

Conditions:
Inborn genetic diseases. Identifiers: MedGen C0950123, MeSH D030342.
Neuropathy, hereditary sensory and autonomic, type 1C. Also called: HSAN IC; HSN IC. Identifiers: Orphanet 36386, MedGen C3150896, MONDO:0013337, OMIM 613640.

Allele frequency attached by ClinVar (database versions not stated): ExAC 0.00001; gnomAD 0.00001.
gnomAD v4.1: 9 of 1,613,952 alleles (0.00056%); highest among the groups gnomAD compares: Non-Finnish European, 0.00059%; no homozygotes.

Submissions (3):

Labcorp Genetics (formerly Invitae), Labcorp
Classification: Likely benign for Neuropathy, hereditary sensory and autonomic, type 1C. Last evaluated: 2024-02-06. Review status: criteria provided, single submitter. Criteria: Invitae Variant Classification Sherloc (09022015). Collection method: clinical testing. Allele origin: germline.

Ambry Genetics
Classification: Likely benign for Inborn genetic diseases. Last evaluated: 2019-07-11. Review status: criteria provided, single submitter. Criteria: Ambry Variant Classification Scheme 2023. Collection method: clinical testing. Allele origin: germline.

GeneDx
Classification: Likely benign. Last evaluated: 2016-12-22. Review status: criteria provided, single submitter. Criteria: GeneDx Variant Classification (06012015). Collection method: clinical testing. Allele origin: germline. Affected: yes.
Comment: This variant is considered likely benign or benign based on one or more of the following criteria: it is a conservative change, it occurs at a poorly conserved position in the protein, it is predicted to be benign by multiple in silico algorithms, and/or has population frequency not consistent with disease.